The following is an entry in ClinVar:

NM_006493.4(CLN5):c.451C>T (p.Pro151Ser)

Gene: CLN5 (CLN5 lysosomal BMP synthase; plus strand). Cytogenetic location: 13q22.3.
Variant type: single nucleotide variant.
Coding change: c.451C>T on transcript NM_006493.4 (MANE Select); coding-DNA position 451, C replaced by T.
Protein change: p.Pro151Ser; replaces proline 151 with serine.
Molecular consequence: missense variant.
Genome position (GRCh38, 1-based): chr13:76,996,013, C>T. VCF-style: chr13-76996013-C-T. GRCh37 (hg19) VCF-style: chr13-77570148-C-T.
Other names: c.451C>T, p.Pro151Ser (NM_001366624.2); short protein forms P151S.
Identifiers: ClinVar variation 1513025 (VCV001513025.3), dbSNP rs777080820, ClinGen allele CA7007204.

ClinVar aggregate classification (germline): Uncertain significance (1 of 4 stars; one submission).

Conditions:
Neuronal ceroid lipofuscinosis. Also called: Neuronal Ceroid Lipofuscinoses. Identifiers: Orphanet 216, Orphanet 79263, MedGen C0027877, MONDO:0016295. Disease mechanism: loss of function.

Allele frequency attached by ClinVar (database versions not stated): gnomAD exomes below 0.00001; TOPMed below 0.00001; ExAC 0.00001; gnomAD 0.00001.

Submission:

Labcorp Genetics (formerly Invitae), Labcorp
Classification: Uncertain significance for Neuronal ceroid lipofuscinosis. Last evaluated: 2022-03-09. Review status: criteria provided, single submitter. Criteria: Invitae Variant Classification Sherloc (09022015). Collection method: clinical testing. Allele origin: germline.
Comment: This sequence change replaces proline, which is neutral and non-polar, with serine, which is neutral and polar, at codon 200 of the CLN5 protein (p.Pro200Ser). This variant is present in population databases (rs777080820, gnomAD 0.003%). This variant has not been reported in the literature in individuals affected with CLN5-related conditions. Algorithms developed to predict the effect of missense changes on protein structure and function are either unavailable or do not agree on the potential impact of this missense change (SIFT: "Deleterious"; PolyPhen-2: "Possibly Damaging"; Align-GVGD: "Class C0"). In summary, the available evidence is currently insufficient to determine the role of this variant in disease. Therefore, it has been classified as a Variant of Uncertain Significance.